The following is an entry in ClinVar:

ClinVar aggregate classification (germline): Uncertain significance. Review status: criteria provided, multiple submitters, no conflicts (2 of 4 stars). 2 submissions from 2 submitters: Uncertain significance (2). Last evaluated 2025-08-11.

Conditions:
Primary ciliary dyskinesia. Also called: Ciliary dyskinesia. Identifiers: Orphanet 244, MedGen C0008780, MONDO:0016575, HP:0012265.

gnomAD v4.1: 94 of 1,614,180 alleles (0.0058%); highest among the groups gnomAD compares: Middle Eastern, 0.12%; 1 homozygote.

Submissions (2):

Labcorp Genetics (formerly Invitae), Labcorp
Classification: Uncertain significance for Primary ciliary dyskinesia. Last evaluated: 2025-08-11. Review status: criteria provided, single submitter. Criteria: Invitae Variant Classification Sherloc (09022015). Collection method: clinical testing. Allele origin: germline.
Comment: This sequence change replaces alanine, which is neutral and non-polar, with proline, which is neutral and non-polar, at codon 3251 of the DNAH5 protein (p.Ala3251Pro). This variant is present in population databases (rs139293893, gnomAD 0.009%). This variant has not been reported in the literature in individuals affected with DNAH5-related conditions. ClinVar contains an entry for this variant (Variation ID: 2062671). Invitae Evidence Modeling of protein sequence and biophysical properties (such as structural, functional, and spatial information, amino acid conservation, physicochemical variation, residue mobility, and thermodynamic stability) has been performed for this missense variant. However, the output from this modeling did not meet the statistical confidence thresholds required to predict the impact of this variant on DNAH5 protein function. In summary, the available evidence is currently insufficient to determine the role of this variant in disease. Therefore, it has been classified as a Variant of Uncertain Significance.

Blueprint Genetics
Classification: Uncertain significance. Last evaluated: 2024-11-21. Review status: criteria provided, single submitter. Criteria: ACMG Guidelines, 2015. Collection method: clinical testing. Allele origin: germline.

NM_001369.3(DNAH5):c.9751G>C (p.Ala3251Pro)

Gene: DNAH5 (dynein axonemal heavy chain 5; minus strand). Cytogenetic location: 5p15.2.
Variant type: single nucleotide variant.
Coding change: c.9751G>C on transcript NM_001369.3 (MANE Select); coding-DNA position 9751, G replaced by C.
Protein change: p.Ala3251Pro; replaces alanine 3251 with proline.
Molecular consequence: missense variant.
Genome position (GRCh38, 1-based): chr5:13,769,106, C>G on the plus strand (G>C on the coding strand, the complement: DNAH5 is on the minus strand). VCF-style: chr5-13769106-C-G. GRCh37 (hg19) VCF-style: chr5-13769215-C-G.
Other names: short protein forms A3251P.
Identifiers: ClinVar variation 2062671 (VCV002062671.4), dbSNP rs139293893, ClinGen allele CA3202433.